The following is an entry in ClinVar:

NM_000038.6(APC):c.7460C>A (p.Ser2487Tyr)

Gene: APC (APC regulator of Wnt signaling pathway; plus strand). Cytogenetic location: 5q22.2.
Variant type: single nucleotide variant.
Coding change: c.7460C>A on transcript NM_000038.6 (MANE Select); coding-DNA position 7460, C replaced by A.
Protein change: p.Ser2487Tyr; replaces serine 2487 with tyrosine.
Molecular consequence: missense variant.
Genome position (GRCh38, 1-based): chr5:112,843,054, C>A. VCF-style: chr5-112843054-C-A. GRCh37 (hg19) VCF-style: chr5-112178751-C-A.
Other names: c.7460C>A, p.Ser2487Tyr (NM_001127510.3, NM_001354895.2, NM_001407450.1); c.7406C>A, p.Ser2469Tyr (NM_001127511.3); c.7514C>A, p.Ser2505Tyr (NM_001354896.2, NM_001407447.1, NM_001407448.1 and 1 more transcripts); c.7490C>A, p.Ser2497Tyr (NM_001354897.2); c.7439C>A, p.Ser2480Tyr (NM_001407451.1); c.7430C>A, p.Ser2477Tyr (NM_001407452.1); c.7283C>A, p.Ser2428Tyr (NM_001407453.1, NM_001354901.2); c.7211C>A, p.Ser2404Tyr (NM_001407454.1, NM_001407455.1, NM_001407456.1 and 1 more transcripts); and 12 more; short protein forms S2103Y, S2204Y, S2327Y, S2358Y, S2361Y, S2386Y, S2396Y, S2404Y.
Identifiers: ClinVar variation 1720157 (VCV001720157.7), dbSNP rs778636967, ClinGen allele CA16037563.

ClinVar aggregate classification (germline): Uncertain significance. Review status: criteria provided, multiple submitters, no conflicts (2 of 4 stars). 2 submissions from 2 submitters: Uncertain significance (2). Last evaluated 2026-05-12.

Conditions:
Hereditary cancer-predisposing syndrome. Also called: Hereditary Cancer Syndrome; Neoplastic Syndromes, Hereditary; Hereditary neoplastic syndrome; Tumor predisposition. Identifiers: Orphanet 140162, MedGen C0027672, MeSH D009386, MONDO:0015356.
Familial adenomatous polyposis 1 (FAP1). Also called: FAMILIAL ADENOMATOUS POLYPOSIS 1, ATTENUATED; POLYPOSIS, ADENOMATOUS INTESTINAL. Identifiers: MedGen C2713442, MONDO:0021056, OMIM 175100. Disease mechanism: loss of function.

Submissions (2):

Ambry Genetics
Classification: Uncertain significance for Hereditary cancer-predisposing syndrome. Last evaluated: 2026-05-12. Review status: criteria provided, single submitter. Criteria: Ambry Variant Classification Scheme 2023. Collection method: clinical testing. Allele origin: germline.
Comment: The p.S2487Y variant (also known as c.7460C>A), located in coding exon 15 of the APC gene, results from a C to A substitution at nucleotide position 7460. The serine at codon 2487 is replaced by tyrosine, an amino acid with dissimilar properties. This amino acid position is highly conserved in available vertebrate species. Missense variants in APC are not a common cause of disease (Spier I et al. Genet Med. 2024 Feb;26(2):100992). Based on the available evidence, the clinical significance of this variant remains unclear.

Labcorp Genetics (formerly Invitae), Labcorp
Classification: Uncertain significance for Familial adenomatous polyposis 1. Last evaluated: 2022-09-23. Review status: criteria provided, single submitter. Criteria: Invitae Variant Classification Sherloc (09022015). Collection method: clinical testing. Allele origin: germline.
Comment: Advanced modeling of protein sequence and biophysical properties (such as structural, functional, and spatial information, amino acid conservation, physicochemical variation, residue mobility, and thermodynamic stability) performed at Invitae indicates that this missense variant is not expected to disrupt APC protein function. In summary, the available evidence is currently insufficient to determine the role of this variant in disease. Therefore, it has been classified as a Variant of Uncertain Significance. This variant has not been reported in the literature in individuals affected with APC-related conditions. This sequence change replaces serine, which is neutral and polar, with tyrosine, which is neutral and polar, at codon 2487 of the APC protein (p.Ser2487Tyr). This variant is not present in population databases (gnomAD no frequency).